The following is an entry in ClinVar:

ClinVar aggregate classification (germline): Pathogenic/Likely pathogenic. Review status: criteria provided, multiple submitters, no conflicts (2 of 4 stars). 3 submissions from 3 submitters: Pathogenic (1); Likely pathogenic (2). Last evaluated 2025-08-11.

Conditions:
Medulloblastoma (MDB). Also called: MEDULLOBLASTOMA PREDISPOSITION SYNDROME; Medulloblastoma, somatic. Identifiers: Orphanet 616, MedGen C0025149, MeSH D008527, MONDO:0007959, OMIM 155255, HP:0002885.
Familial dysautonomia. Also called: HSAN III; FD. Identifiers: Orphanet 1764, MedGen C0013364, MONDO:0009131, OMIM 223900. Disease mechanism: loss of function.

Submissions (3):

Natera, Inc.
Classification: Likely pathogenic for Familial dysautonomia. Last evaluated: 2025-08-11. Review status: criteria provided, single submitter. Criteria: Natera Variant Classification Schema (03/2026). Collection method: clinical testing. Allele origin: germline.
Comment: The c.1751_1752delAG variant in ELP1 is a frameshift variant predicted to shift the reading frame beginning at codon 584 and leads to a stop codon 7 codons downstream. This variant is expected to result in nonsense mediated decay, truncation, or a dysfunctional protein product. This variant is rare in the general population with a frequency below the threshold expected for the associated phenotype(s). Given the available evidence, this variant is classified as Likely Pathogenic.

Fulgent Genetics
Classification: Likely pathogenic for Medulloblastoma; Familial dysautonomia. Last evaluated: 2024-02-16. Review status: criteria provided, single submitter. Criteria: ACMG Guidelines, 2015. Collection method: clinical testing. Allele origin: germline.

Labcorp Genetics (formerly Invitae), Labcorp
Classification: Pathogenic. Last evaluated: 2023-01-05. Review status: criteria provided, single submitter. Criteria: Invitae Variant Classification Sherloc (09022015). Collection method: clinical testing. Allele origin: germline.
Comment: Algorithms developed to predict the effect of sequence changes on RNA splicing suggest that this variant may disrupt the consensus splice site. For these reasons, this variant has been classified as Pathogenic. This variant has not been reported in the literature in individuals affected with ELP1-related conditions. This variant is not present in population databases (gnomAD no frequency). This sequence change creates a premature translational stop signal (p.Glu584Valfs*7) in the ELP1 gene. It is expected to result in an absent or disrupted protein product. Loss-of-function variants in ELP1 are known to be pathogenic (PMID: 18303054, 24173031).

Literature cited by the submitters: PubMed 18303054 (cited by Labcorp Genetics (formerly Invitae), Labcorp); PubMed 24173031 (cited by Labcorp Genetics (formerly Invitae), Labcorp).

NM_003640.5(ELP1):c.1751_1752del

Gene: ELP1 (elongator acetyltransferase complex subunit 1; minus strand). Cytogenetic location: 9q31.3.
Variant type: Microsatellite.
Coding change: c.1751_1752del on transcript NM_003640.5 (MANE Select); coding-DNA positions 1751 to 1752, 2 bases deleted (AG; older notation c.1751_1752delAG).
Genome position (GRCh38, 1-based): chr9:108,902,941-108,902,942, CT deleted on the plus strand (AG on the coding strand, the reverse complement: ELP1 is on the minus strand); deleting any 2 consecutive bases within chr9:108,902,941-108,902,944 gives the same sequence; the c. name uses the placement nearest the transcript's 3' end. VCF-style (leftmost placement, unchanged base first): chr9-108902940-ACT-A. GRCh37 (hg19) VCF-style: chr9-111665220-ACT-A.
Other names: c.1751_1752delAG (NM_003640.4).
Identifiers: ClinVar variation 2800384 (VCV002800384.5), dbSNP rs2537905917, ClinGen allele CA2691096326.